The following is an entry in ClinVar:

NM_006031.6(PCNT):c.5338G>A (p.Ala1780Thr)

Gene: PCNT (pericentrin; plus strand). Cytogenetic location: 21q22.3.
Variant type: single nucleotide variant.
Coding change: c.5338G>A on transcript NM_006031.6 (MANE Select); coding-DNA position 5338, G replaced by A.
Protein change: p.Ala1780Thr; replaces alanine 1780 with threonine.
Molecular consequence: missense variant.
Genome position (GRCh38, 1-based): chr21:46,411,411, G>A. VCF-style: chr21-46411411-G-A. GRCh37 (hg19) VCF-style: chr21-47831325-G-A.
Other names: c.4984G>A, p.Ala1662Thr (NM_001315529.2); short protein forms A1780T, A1662T.
Identifiers: ClinVar variation 4982426 (VCV004982426.1).

ClinVar aggregate classification (germline): Uncertain significance (1 of 4 stars; one submission).

Conditions:
PCNT-related disorder. Also called: PCNT-related condition.

gnomAD v4.1: 4 of 1,613,398 alleles (0.00025%); highest among the groups gnomAD compares: East Asian, 0.0067%; no homozygotes.

Submission:

PreventionGenetics, part of Exact Sciences
Classification: Uncertain significance for PCNT-related condition. Last evaluated: 2026-09-01. Review status: criteria provided, single submitter. Criteria: ACMG Guidelines, 2015. Collection method: clinical testing. Allele origin: germline.
Comment: The PCNT c.5338G>A variant is predicted to result in the amino acid substitution p.Ala1780Thr. To our knowledge, this variant has not been reported in the literature. This variant is reported in 0.016% of alleles in individuals of East Asian descent in gnomAD. At this time, the clinical significance of this variant is uncertain due to the absence of conclusive functional and genetic evidence.